The following is an entry in ClinVar:

NM_000417.3(IL2RA):c.526A>G (p.Arg176Gly)

Gene: IL2RA (interleukin 2 receptor subunit alpha; minus strand). Cytogenetic location: 10p15.1.
Variant type: single nucleotide variant.
Coding change: c.526A>G on transcript NM_000417.3 (MANE Select); coding-DNA position 526, A replaced by G.
Protein change: p.Arg176Gly; replaces arginine 176 with glycine.
Molecular consequence: missense variant. On other transcripts: intron variant (2).
Genome position (GRCh38, 1-based): chr10:6,021,535, T>C on the plus strand (A>G on the coding strand, the complement: IL2RA is on the minus strand). VCF-style: chr10-6021535-T-C. GRCh37 (hg19) VCF-style: chr10-6063498-T-C.
Other names: c.368-2036A>G (NM_001308243.2); c.368-1594A>G (NM_001308242.2); short protein forms R176G.
Identifiers: ClinVar variation 3627887 (VCV003627887.2).

ClinVar aggregate classification (germline): Uncertain significance (1 of 4 stars; one submission).

Conditions:
Immunodeficiency due to CD25 deficiency. Also called: IL2RA DEFICIENCY; CD25 DEFICIENCY; IMMUNODEFICIENCY 41 WITH LYMPHOPROLIFERATION AND AUTOIMMUNITY. Identifiers: Orphanet 169100, MedGen C1853392, MONDO:0011664, OMIM 606367.

gnomAD v4.1: 2 of 1,614,150 alleles (0.00012%); highest among the groups gnomAD compares: Non-Finnish European, 0.00017%; no homozygotes.

Submission:

Labcorp Genetics (formerly Invitae), Labcorp
Classification: Uncertain significance for Immunodeficiency due to CD25 deficiency. Last evaluated: 2025-05-19. Review status: criteria provided, single submitter. Criteria: Invitae Variant Classification Sherloc (09022015). Collection method: clinical testing. Allele origin: germline.
Comment: This sequence change replaces arginine, which is basic and polar, with glycine, which is neutral and non-polar, at codon 176 of the IL2RA protein (p.Arg176Gly). This variant is not present in population databases (gnomAD no frequency). This variant has not been reported in the literature in individuals affected with IL2RA-related conditions. ClinVar contains an entry for this variant (Variation ID: 3627887). Invitae Evidence Modeling of protein sequence and biophysical properties (such as structural, functional, and spatial information, amino acid conservation, physicochemical variation, residue mobility, and thermodynamic stability) indicates that this missense variant is not expected to disrupt IL2RA protein function with a negative predictive value of 80%. In summary, the available evidence is currently insufficient to determine the role of this variant in disease. Therefore, it has been classified as a Variant of Uncertain Significance.